The following is an entry in ClinVar:

NM_015909.4(NBAS):c.1420G>T (p.Asp474Tyr)

Gene: NBAS (NBAS subunit of NRZ tethering complex; minus strand). Cytogenetic location: 2p24.3.
Variant type: single nucleotide variant.
Coding change: c.1420G>T on transcript NM_015909.4 (MANE Select); coding-DNA position 1420, G replaced by T.
Protein change: p.Asp474Tyr; replaces aspartic acid 474 with tyrosine.
Molecular consequence: missense variant. On other transcripts: non-coding transcript variant (1).
Genome position (GRCh38, 1-based): chr2:15,474,246, C>A on the plus strand (G>T on the coding strand, the complement: NBAS is on the minus strand). VCF-style: chr2-15474246-C-A. GRCh37 (hg19) VCF-style: chr2-15614370-C-A.
Other names: short protein forms D474Y.
Identifiers: ClinVar variation 1716533 (VCV001716533.5), dbSNP rs2528139329, ClinGen allele CA345888976.

ClinVar aggregate classification (germline): Uncertain significance (1 of 4 stars; one submission).

Submission:

Labcorp Genetics (formerly Invitae), Labcorp
Classification: Uncertain significance. Last evaluated: 2022-08-16. Review status: criteria provided, single submitter. Criteria: Invitae Variant Classification Sherloc (09022015). Collection method: clinical testing. Allele origin: germline.
Comment: In summary, the available evidence is currently insufficient to determine the role of this variant in disease. Therefore, it has been classified as a Variant of Uncertain Significance. This sequence change replaces aspartic acid, which is acidic and polar, with tyrosine, which is neutral and polar, at codon 474 of the NBAS protein (p.Asp474Tyr). This variant is not present in population databases (gnomAD no frequency). This variant has not been reported in the literature in individuals affected with NBAS-related conditions. Algorithms developed to predict the effect of missense changes on protein structure and function (SIFT, PolyPhen-2, Align-GVGD) all suggest that this variant is likely to be disruptive.